The following is an entry in ClinVar:

ClinVar aggregate classification (germline): Uncertain significance (1 of 4 stars; one submission).

Conditions:
Hereditary sensory and autonomic neuropathy type 7. Also called: HSAN VII; Neuropathy, hereditary sensory and autonomic, type VII. Identifiers: Orphanet 391397, MedGen C3809882, MONDO:0014244, OMIM 615548.
Familial episodic pain syndrome with predominantly lower limb involvement. Also called: Episodic pain syndrome, familial, 3. Identifiers: Orphanet 391384, Orphanet 391392, MedGen C3809899, MONDO:0014247, OMIM 615552.

Allele frequency attached by ClinVar (database versions not stated): gnomAD exomes below 0.00001; TOPMed below 0.00001.

Submission:

Labcorp Genetics (formerly Invitae), Labcorp
Classification: Uncertain significance for Familial episodic pain syndrome with predominantly lower limb involvement; Hereditary sensory and autonomic neuropathy type 7. Last evaluated: 2018-07-25. Review status: criteria provided, single submitter. Criteria: Invitae Variant Classification Sherloc (09022015). Collection method: clinical testing. Allele origin: germline.
Comment: This variant has not been reported in the literature in individuals with SCN11A-related disease. Algorithms developed to predict the effect of missense changes on protein structure and function do not agree on the potential impact of this missense change (SIFT: "Deleterious"; PolyPhen-2: "Benign"; Align-GVGD: "Class C65"). In summary, the available evidence is currently insufficient to determine the role of this variant in disease. Therefore, it has been classified as a Variant of Uncertain Significance. This sequence change replaces methionine with threonine at codon 1712 of the SCN11A protein (p.Met1712Thr). The methionine residue is highly conserved and there is a moderate physicochemical difference between methionine and threonine. This variant is not present in population databases (ExAC no frequency).

NM_001349253.2(SCN11A):c.5135T>C (p.Met1712Thr)

Gene: SCN11A (sodium voltage-gated channel alpha subunit 11; minus strand). Cytogenetic location: 3p22.2.
Variant type: single nucleotide variant.
Coding change: c.5135T>C on transcript NM_001349253.2 (MANE Select); coding-DNA position 5135, T replaced by C.
Protein change: p.Met1712Thr; replaces methionine 1712 with threonine.
Molecular consequence: missense variant.
Genome position (GRCh38, 1-based): chr3:38,846,935, A>G on the plus strand (T>C on the coding strand, the complement: SCN11A is on the minus strand). VCF-style: chr3-38846935-A-G. GRCh37 (hg19) VCF-style: chr3-38888426-A-G.
Other names: c.5135T>C, p.Met1712Thr (NM_014139.3); short protein forms M1712T.
Identifiers: ClinVar variation 581267 (VCV000581267.6), dbSNP rs1559482153, ClinGen allele CA352160914.
Genomic context (GRCh38, chr3:38,846,935, plus strand): 5'-TCCTTTCTCTTGGTGGTGGTGACTATGGGTTCATACAACTTCTTGAGAGGATTGGCTTCC[A>G]TGAACTTCTCTTCCATCATTGCTTTCATACTATCTAGGCCATCAGAGCCACCGAGTACCC-3'
Protein context (NP_001336182.1, residues 1702-1722): SMKAMMEEKF[Met1712Thr]EANPLKKLYE